The following is an entry in ClinVar:

NM_015557.3(CHD5):c.2488A>G (p.Thr830Ala)

Gene: CHD5 (chromodomain helicase DNA binding protein 5; minus strand). Cytogenetic location: 1p36.31.
Variant type: single nucleotide variant.
Coding change: c.2488A>G on transcript NM_015557.3 (MANE Select); coding-DNA position 2488, A replaced by G.
Protein change: p.Thr830Ala; replaces threonine 830 with alanine.
Molecular consequence: missense variant.
Genome position (GRCh38, 1-based): chr1:6,136,814, T>C on the plus strand (A>G on the coding strand, the complement: CHD5 is on the minus strand). VCF-style: chr1-6136814-T-C. GRCh37 (hg19) VCF-style: chr1-6196874-T-C.
Other names: short protein forms T830A.
Identifiers: ClinVar variation 3715793 (VCV003715793.2).
Genomic context (GRCh38, chr1:6,136,814, plus strand): 5'-GGGCCTCATCTACCACCAGGCAGGCCCACTCGATGGAGCCCAGGATGGCCTGGTCAATGG[T>C]GATGAGCTCATAGGAGGTGAGCAGCACGTGGAATTTGATCTGCACTTCTTTCTGGAGAAA-3'
Protein context (NP_056372.1, residues 820-840): HVLLTSYELI[Thr830Ala]IDQAILGSIE

ClinVar aggregate classification (germline): Uncertain significance (1 of 4 stars; one submission).

Submission:

Labcorp Genetics (formerly Invitae), Labcorp
Classification: Uncertain significance. Last evaluated: 2024-03-07. Review status: criteria provided, single submitter. Criteria: Invitae Variant Classification Sherloc (09022015). Collection method: clinical testing. Allele origin: germline.
Comment: This sequence change replaces threonine, which is neutral and polar, with alanine, which is neutral and non-polar, at codon 830 of the CHD5 protein (p.Thr830Ala). This variant is not present in population databases (gnomAD no frequency). This variant has not been reported in the literature in individuals affected with CHD5-related conditions. Advanced modeling of protein sequence and biophysical properties (such as structural, functional, and spatial information, amino acid conservation, physicochemical variation, residue mobility, and thermodynamic stability) performed at Invitae indicates that this missense variant is not expected to disrupt CHD5 protein function with a negative predictive value of 80%. In summary, the available evidence is currently insufficient to determine the role of this variant in disease. Therefore, it has been classified as a Variant of Uncertain Significance.